The following is an entry in ClinVar:

NM_000487.6(ARSA):c.991G>T (p.Glu331Ter)

Gene: ARSA (arylsulfatase A; minus strand). Cytogenetic location: 22q13.33.
Variant type: single nucleotide variant.
Coding change: c.991G>T on transcript NM_000487.6 (MANE Select); coding-DNA position 991, G replaced by T.
Protein change: p.Glu331Ter; replaces glutamic acid 331 with a stop codon.
Molecular consequence: nonsense.
Genome position (GRCh38, 1-based): chr22:50,626,052, C>A on the plus strand (G>T on the coding strand, the complement: ARSA is on the minus strand). VCF-style: chr22-50626052-C-A. GRCh37 (hg19) VCF-style: chr22-51064480-C-A.
Other names: c.991G>T, p.Glu331Ter (NM_001085425.3, NM_001085426.3, NM_001085427.3); c.733G>T, p.Glu245Ter (NM_001085428.3, NM_001362782.2); short protein forms E331*, E245*.
Identifiers: ClinVar variation 93129 (VCV000093129.14), dbSNP rs398123419, ClinGen allele CA278427.

ClinVar aggregate classification (germline): Pathogenic/Likely pathogenic. Review status: criteria provided, multiple submitters, no conflicts (2 of 4 stars). 4 submissions from 4 submitters: Pathogenic (2); Likely pathogenic (1). 1 of the submissions does not count toward it. Last evaluated 2022-06-20.

Conditions:
Metachromatic leukodystrophy (MLD). Also called: ARSA DEFICIENCY; CEREBROSIDE SULFATASE DEFICIENCY; Arylsulfatase A Deficiency; SULFATIDE LIPIDOSIS; Cerebral sclerosis diffuse metachromatic form; METACHROMATIC LEUKOENCEPHALOPATHY. Identifiers: Orphanet 512, MedGen C0023522, MONDO:0018868, OMIM 250100.

Submissions (4):

Labcorp Genetics (formerly Invitae), Labcorp
Classification: Pathogenic for Metachromatic leukodystrophy. Last evaluated: 2022-06-20. Review status: criteria provided, single submitter. Criteria: Invitae Variant Classification Sherloc (09022015). Collection method: clinical testing. Allele origin: germline.
Comment: For these reasons, this variant has been classified as Pathogenic. ClinVar contains an entry for this variant (Variation ID: 93129). This variant is also known as p.Glu329Ter. This premature translational stop signal has been observed in individual(s) with metachromatic leukodystrophy (PMID: 16678723). This variant is not present in population databases (gnomAD no frequency). This sequence change creates a premature translational stop signal (p.Glu331*) in the ARSA gene. It is expected to result in an absent or disrupted protein product. Loss-of-function variants in ARSA are known to be pathogenic (PMID: 8962139, 10477432).

Women's Health and Genetics/Laboratory Corporation of America, LabCorp
Classification: Likely pathogenic for Metachromatic leukodystrophy. Last evaluated: 2020-11-23. Review status: criteria provided, single submitter. Criteria: LabCorp Variant Classification Summary - May 2015. Collection method: clinical testing. Allele origin: germline.
Comment: Variant summary: ARSA c.991G>T (p.Glu331X) results in a premature termination codon, predicted to cause a truncation of the encoded protein or absence of the protein due to nonsense mediated decay, which are commonly known mechanisms for disease. The variant was absent in 212420 control chromosomes (gnomAD). c.991G>T has been reported in the literature in at least an individual affected with Metachromatic Leukodystrophy (Bertelli_2005). These data do not allow any conclusion about variant significance. ARSA activity from patient (who was compound heterozygous for the variant) derived leukocytes was found to be 6.7nm/h/mg (Bertelli_2005). One ClinVar submitter (evaluation after 2014) cite the variant as likely pathogenic. Based on the evidence outlined above, the variant was classified as likely pathogenic.

Eurofins Ntd Llc (ga)
Classification: Pathogenic. Last evaluated: 2012-11-26. Review status: criteria provided, single submitter. Criteria: EGL Classification Definitions 2015. Collection method: clinical testing. Allele origin: germline. Observed: 1 variant allele, 1 heterozygote.

Counsyl
Classification: Likely pathogenic for Metachromatic leukodystrophy. Last evaluated: 2017-11-20. Review status: no assertion criteria provided. Collection method: clinical testing. Allele origin: unknown. Not counted in ClinVar's aggregate classification.

Literature cited by the submitters: PubMed 16678723 (cited by 3 submitters); PubMed 8962139 (cited by Labcorp Genetics (formerly Invitae), Labcorp); PubMed 10477432 (cited by Labcorp Genetics (formerly Invitae), Labcorp).